The following is an entry in ClinVar:

ClinVar aggregate classification (germline): Uncertain significance. Review status: criteria provided, multiple submitters, no conflicts (2 of 4 stars). 2 submissions from 2 submitters: Uncertain significance (2). Last evaluated 2025-12-09.

Conditions:
Inborn genetic diseases. Identifiers: MedGen C0950123, MeSH D030342.

gnomAD v4.1: 2 of 1,537,142 alleles (0.00013%); highest among the groups gnomAD compares: Admixed American, 0.0039%; no homozygotes.

Submissions (2):

Ambry Genetics
Classification: Uncertain significance for Inborn genetic diseases. Last evaluated: 2025-12-09. Review status: criteria provided, single submitter. Criteria: Ambry Variant Classification Scheme 2023. Collection method: clinical testing. Allele origin: germline.

Labcorp Genetics (formerly Invitae), Labcorp
Classification: Uncertain significance. Last evaluated: 2024-03-24. Review status: criteria provided, single submitter. Criteria: Invitae Variant Classification Sherloc (09022015). Collection method: clinical testing. Allele origin: germline.
Comment: This sequence change replaces proline, which is neutral and non-polar, with alanine, which is neutral and non-polar, at codon 1538 of the PIEZO2 protein (p.Pro1538Ala). This variant is present in population databases (no rsID available, gnomAD 0.008%). This variant has not been reported in the literature in individuals affected with PIEZO2-related conditions. Advanced modeling of protein sequence and biophysical properties (such as structural, functional, and spatial information, amino acid conservation, physicochemical variation, residue mobility, and thermodynamic stability) performed at Invitae indicates that this missense variant is not expected to disrupt PIEZO2 protein function with a negative predictive value of 80%. Algorithms developed to predict the effect of sequence changes on RNA splicing suggest that this variant may disrupt the consensus splice site. In summary, the available evidence is currently insufficient to determine the role of this variant in disease. Therefore, it has been classified as a Variant of Uncertain Significance.

NM_001378183.1(PIEZO2):c.4687C>G (p.Pro1563Ala)

Gene: PIEZO2 (piezo type mechanosensitive ion channel component 2; minus strand). Cytogenetic location: 18p11.22.
Variant type: single nucleotide variant.
Coding change: c.4687C>G on transcript NM_001378183.1 (MANE Select); coding-DNA position 4687, C replaced by G.
Protein change: p.Pro1563Ala; replaces proline 1563 with alanine.
Molecular consequence: missense variant.
Genome position (GRCh38, 1-based): chr18:10,741,052, G>C on the plus strand (C>G on the coding strand, the complement: PIEZO2 is on the minus strand). VCF-style: chr18-10741052-G-C. GRCh37 (hg19) VCF-style: chr18-10741050-G-C.
Other names: c.4687C>G, p.Pro1563Ala (NM_001410871.1); c.4612C>G, p.Pro1538Ala (NM_022068.4); c.4612C>G (NM_022068.2); short protein forms P1538A, P1563A.
Identifiers: ClinVar variation 3607416 (VCV003607416.3).